The following is an entry in ClinVar:

ClinVar aggregate classification (germline): Uncertain significance (1 of 4 stars; one submission).

Conditions:
Congenital myasthenic syndrome 8. Also called: MYASTHENIC SYNDROME, CONGENITAL, DUE TO AGRIN DEFICIENCY; Myasthenic syndrome, congenital, 8, with pre- and postsynaptic defects. Identifiers: Orphanet 590, MedGen C3808739, MONDO:0014052, OMIM 615120.

Submission:

Labcorp Genetics (formerly Invitae), Labcorp
Classification: Uncertain significance for Congenital myasthenic syndrome 8. Last evaluated: 2021-06-21. Review status: criteria provided, single submitter. Criteria: Invitae Variant Classification Sherloc (09022015). Collection method: clinical testing. Allele origin: germline.
Comment: This sequence change replaces glycine with valine at codon 1741 of the AGRN protein (p.Gly1741Val). The glycine residue is weakly conserved and there is a moderate physicochemical difference between glycine and valine. This variant is not present in population databases (ExAC no frequency). This variant has not been reported in the literature in individuals with AGRN-related conditions. Algorithms developed to predict the effect of missense changes on protein structure and function are either unavailable or do not agree on the potential impact of this missense change (SIFT: "Deleterious"; PolyPhen-2: "Probably Damaging"; Align-GVGD: "Class C0"). In summary, the available evidence is currently insufficient to determine the role of this variant in disease. Therefore, it has been classified as a Variant of Uncertain Significance.

NM_198576.4(AGRN):c.5222G>T (p.Gly1741Val)

Gene: AGRN (agrin; plus strand). Cytogenetic location: 1p36.33.
Variant type: single nucleotide variant.
Coding change: c.5222G>T on transcript NM_198576.4 (MANE Select); coding-DNA position 5222, G replaced by T.
Protein change: p.Gly1741Val; replaces glycine 1741 with valine.
Molecular consequence: missense variant.
Genome position (GRCh38, 1-based): chr1:1,050,806, G>T. VCF-style: chr1-1050806-G-T. GRCh37 (hg19) VCF-style: chr1-986186-G-T.
Other names: c.5222G>T, p.Gly1741Val (NM_001305275.2); c.4907G>T, p.Gly1636Val (NM_001364727.2); short protein forms G1636V, G1741V.
Identifiers: ClinVar variation 1357329 (VCV001357329.8), dbSNP rs2100685108, ClinGen allele CA337781061.